The following is an entry in ClinVar:

ClinVar aggregate classification (germline): Uncertain significance (1 of 4 stars; one submission).

gnomAD v4.1: 8 of 1,613,122 alleles (0.0005%); highest among the groups gnomAD compares: Non-Finnish European, 0.00068%; no homozygotes.

Submission:

Ambry Genetics
Classification: Uncertain significance. Last evaluated: 2024-11-26. Review status: criteria provided, single submitter. Criteria: Ambry Variant Classification Scheme 2023. Collection method: clinical testing. Allele origin: germline.
Comment: The p.P693L variant (also known as c.2078C>T), located in coding exon 3 of the CDK12 gene, results from a C to T substitution at nucleotide position 2078. The proline at codon 693 is replaced by leucine, an amino acid with similar properties. This amino acid position is conserved. In addition, this alteration is predicted to be tolerated by in silico analysis. Based on the available evidence, the clinical significance of this variant remains unclear.

NM_016507.4(CDK12):c.2078C>T (p.Pro693Leu)

Gene: CDK12 (cyclin dependent kinase 12; plus strand). Cytogenetic location: 17q12.
Variant type: single nucleotide variant.
Coding change: c.2078C>T on transcript NM_016507.4 (MANE Select); coding-DNA position 2078, C replaced by T.
Protein change: p.Pro693Leu; replaces proline 693 with leucine.
Molecular consequence: missense variant.
Genome position (GRCh38, 1-based): chr17:39,490,703, C>T. VCF-style: chr17-39490703-C-T. GRCh37 (hg19) VCF-style: chr17-37646956-C-T.
Other names: c.2078C>T, p.Pro693Leu (NM_015083.4); short protein forms P693L.
Identifiers: ClinVar variation 3489299 (VCV003489299.1).
Genomic context (GRCh38, chr17:39,490,703, plus strand): 5'-CAGAGCTCCCTGGTGGAGATCTGTCTCCCCCAGACTCTCCAGAACCAAAGGCAATCACAC[C>T]ACCTCAGCAACCATATAAAAAGAGACCAAAGTGAGTTTTTGGAGGAATCTGTCTTTCATG-3'
Protein context (NP_057591.2, residues 683-703): PDSPEPKAIT[Pro693Leu]PQQPYKKRPK